The following is an entry in ClinVar:

NM_006206.6(PDGFRA):c.2300C>T (p.Ser767Leu)

Gene: PDGFRA (platelet derived growth factor receptor alpha; plus strand). Cytogenetic location: 4q12.
Variant type: single nucleotide variant.
Coding change: c.2300C>T on transcript NM_006206.6 (MANE Select); coding-DNA position 2300, C replaced by T.
Protein change: p.Ser767Leu; replaces serine 767 with leucine.
Molecular consequence: missense variant.
Genome position (GRCh38, 1-based): chr4:54,280,459, C>T. VCF-style: chr4-54280459-C-T. GRCh37 (hg19) VCF-style: chr4-55146626-C-T.
Other names: c.2300C>T, p.Ser767Leu (NM_001347827.2, NM_001347829.2); c.2375C>T, p.Ser792Leu (NM_001347828.2); c.2339C>T, p.Ser780Leu (NM_001347830.2); short protein forms S767L, S792L, S780L.
Identifiers: ClinVar variation 2568081 (VCV002568081.2), dbSNP rs2475527739, ClinGen allele CA356894508.

ClinVar aggregate classification (germline): Uncertain significance (1 of 4 stars; one submission).

Conditions:
Hereditary cancer-predisposing syndrome. Also called: Hereditary neoplastic syndrome; Hereditary Cancer Syndrome; Neoplastic Syndromes, Hereditary; Tumor predisposition. Identifiers: Orphanet 140162, MedGen C0027672, MeSH D009386, MONDO:0015356.

Submission:

Ambry Genetics
Classification: Uncertain significance for Hereditary cancer-predisposing syndrome. Last evaluated: 2023-04-09. Review status: criteria provided, single submitter. Criteria: Ambry Variant Classification Scheme 2023. Collection method: clinical testing. Allele origin: germline.
Comment: The p.S767L variant (also known as c.2300C>T), located in coding exon 15 of the PDGFRA gene, results from a C to T substitution at nucleotide position 2300. The serine at codon 767 is replaced by leucine, an amino acid with dissimilar properties. This amino acid position is conserved. In addition, this alteration is predicted to be deleterious by in silico analysis. Since supporting evidence is limited at this time, the clinical significance of this alteration remains unclear.